The following is an entry in ClinVar:

ClinVar aggregate classification (germline): Likely benign. Review status: criteria provided, multiple submitters, no conflicts (2 of 4 stars). 2 submissions from 2 submitters: Likely benign (2). Last evaluated 2025-06-19.

Allele frequency attached by ClinVar (database versions not stated): gnomAD exomes 0.00001; gnomAD 0.00003.
gnomAD v4.1: 14 of 1,333,224 alleles (0.0011%); highest among the groups gnomAD compares: Middle Eastern, 0.021%; no homozygotes.

Submissions (2):

Labcorp Genetics (formerly Invitae), Labcorp
Classification: Likely benign. Last evaluated: 2025-06-19. Review status: criteria provided, single submitter. Criteria: Invitae Variant Classification Sherloc (09022015). Collection method: clinical testing. Allele origin: germline.

CeGaT Center for Human Genetics Tuebingen
Classification: Likely benign. Last evaluated: 2023-07-01. Review status: criteria provided, single submitter. Criteria: CeGaT Center For Human Genetics Tuebingen Variant Classification Criteria Version 2. Collection method: clinical testing. Allele origin: germline. Affected: yes. Observed: 1 variant allele.
Comment: PTPN23: BP4, BP7

NM_015466.4(PTPN23):c.2760G>A (p.Thr920=)

Gene: PTPN23 (protein tyrosine phosphatase non-receptor type 23; plus strand). Cytogenetic location: 3p21.31.
Variant type: single nucleotide variant.
Coding change: c.2760G>A on transcript NM_015466.4 (MANE Select); coding-DNA position 2760, G replaced by A.
Protein change: p.Thr920=; no amino-acid change (threonine 920 retained).
Molecular consequence: synonymous variant.
Genome position (GRCh38, 1-based): chr3:47,410,558, G>A. VCF-style: chr3-47410558-G-A. GRCh37 (hg19) VCF-style: chr3-47452048-G-A.
Other names: c.2382G>A, p.Thr794= (NM_001304482.2).
Identifiers: ClinVar variation 2181323 (VCV002181323.28), dbSNP rs955123643, ClinGen allele CA73880824.